The following is an entry in ClinVar:

NM_001122630.2(CDKN1C):c.-10-26G>T

Gene: CDKN1C (cyclin dependent kinase inhibitor 1C; minus strand). Cytogenetic location: 11p15.4.
Variant type: single nucleotide variant.
Coding change: c.-10-26G>T on transcript NM_001122630.2 (MANE Select); 26 bases into the intron before 10 bases upstream of the start codon, G replaced by T.
Molecular consequence: intron variant. On other transcripts: 5 prime UTR variant (2).
Genome position (GRCh38, 1-based): chr11:2,885,492, C>A on the plus strand (G>T on the coding strand, the complement: CDKN1C is on the minus strand). VCF-style: chr11-2885492-C-A. GRCh37 (hg19) VCF-style: chr11-2906722-C-A.
Other names: c.-3G>T (NM_000076.2, NM_001362474.2); c.-10-26G>T (NM_001362475.2, NM_001122631.2).
Identifiers: ClinVar variation 3031840 (VCV003031840.2), dbSNP rs772497485, ClinGen allele CA5822256.

ClinVar aggregate classification (germline): Likely benign (0 of 4 stars; one submission).

Conditions:
CDKN1C-related disorder. Also called: CDKN1C-related condition.

Allele frequency attached by ClinVar (database versions not stated): TOPMed 0.00005.
gnomAD v4.1: 5 of 1,541,948 alleles (0.00032%); highest among the groups gnomAD compares: Admixed American, 0.0098%; no homozygotes.

Submission:

PreventionGenetics, part of Exact Sciences
Classification: Likely benign for CDKN1C-related condition. Last evaluated: 2023-10-05. Review status: no assertion criteria provided. Collection method: clinical testing. Allele origin: germline.
Comment: This variant is classified as likely benign based on ACMG/AMP sequence variant interpretation guidelines (Richards et al. 2015 PMID: 25741868, with internal and published modifications).